The following is an entry in ClinVar:

ClinVar aggregate classification (germline): Uncertain significance (1 of 4 stars; one submission).

gnomAD v4.1: 1 of 1,614,104 alleles (0.000062%); highest among the groups gnomAD compares: Admixed American, 0.0017%; no homozygotes.

Submission:

Labcorp Genetics (formerly Invitae), Labcorp
Classification: Uncertain significance. Last evaluated: 2024-02-12. Review status: criteria provided, single submitter. Criteria: Invitae Variant Classification Sherloc (09022015). Collection method: clinical testing. Allele origin: germline.
Comment: This sequence change replaces alanine, which is neutral and non-polar, with glutamic acid, which is acidic and polar, at codon 498 of the C1S protein (p.Ala498Glu). This variant is present in population databases (rs781958136, gnomAD 0.003%). This variant has not been reported in the literature in individuals affected with C1S-related conditions. Advanced modeling of protein sequence and biophysical properties (such as structural, functional, and spatial information, amino acid conservation, physicochemical variation, residue mobility, and thermodynamic stability) performed at Invitae indicates that this missense variant is not expected to disrupt C1S protein function with a negative predictive value of 80%. In summary, the available evidence is currently insufficient to determine the role of this variant in disease. Therefore, it has been classified as a Variant of Uncertain Significance.

NM_001734.5(C1S):c.1493C>A (p.Ala498Glu)

Gene: C1S (complement C1s; plus strand). Cytogenetic location: 12p13.31.
Variant type: single nucleotide variant.
Coding change: c.1493C>A on transcript NM_001734.5 (MANE Select); coding-DNA position 1493, C replaced by A.
Protein change: p.Ala498Glu; replaces alanine 498 with glutamic acid.
Molecular consequence: missense variant.
Genome position (GRCh38, 1-based): chr12:7,070,077, C>A. VCF-style: chr12-7070077-C-A. GRCh37 (hg19) VCF-style: chr12-7177381-C-A.
Other names: c.992C>A, p.Ala331Glu (NM_001346850.2); c.1493C>A, p.Ala498Glu (NM_201442.4); short protein forms A331E, A498E.
Identifiers: ClinVar variation 3638242 (VCV003638242.2).